The following is an entry in ClinVar:

NM_001101362.3(KBTBD13):c.13C>G (p.Pro5Ala)

Gene: KBTBD13 (kelch repeat and BTB domain containing 13; plus strand). Cytogenetic location: 15q22.31.
Variant type: single nucleotide variant.
Coding change: c.13C>G on transcript NM_001101362.3 (MANE Select); coding-DNA position 13, C replaced by G.
Protein change: p.Pro5Ala; replaces proline 5 with alanine.
Molecular consequence: missense variant.
Genome position (GRCh38, 1-based): chr15:65,076,828, C>G. VCF-style: chr15-65076828-C-G. GRCh37 (hg19) VCF-style: chr15-65369166-C-G.
Other names: short protein forms P5A.
Identifiers: ClinVar variation 839630 (VCV000839630.9), dbSNP rs2086975088, ClinGen allele CA392855522.
Genomic context (GRCh38, chr15:65,076,828, plus strand): 5'-CTGGCTAACCCAAGGCCCCAGCGGCAGCCTCCGCCCGGCCAGCTCGCCATGGCACGGGGT[C>G]CACAGACCCTGGTGCAGGTGTGGGTGGGCGGCCAGCTCTTCCAAGCCGACCGCGCCCTGC-3'
Protein context (NP_001094832.1, residues 1-15): MARG[Pro5Ala]QTLVQVWVGG

ClinVar aggregate classification (germline): Uncertain significance (1 of 4 stars; one submission).

Conditions:
Nemaline myopathy 6 (NEM6). Also called: Nemaline myopathy 6, autosomal dominant. Identifiers: Orphanet 171439, MedGen C1836472, MONDO:0012237, OMIM 609273.

Submission:

Labcorp Genetics (formerly Invitae), Labcorp
Classification: Uncertain significance for Nemaline myopathy 6. Last evaluated: 2019-11-26. Review status: criteria provided, single submitter. Criteria: Invitae Variant Classification Sherloc (09022015). Collection method: clinical testing. Allele origin: germline.
Comment: Algorithms developed to predict the effect of missense changes on protein structure and function (SIFT, PolyPhen-2, Align-GVGD) all suggest that this variant is likely to be tolerated, but these predictions have not been confirmed by published functional studies and their clinical significance is uncertain. This variant has not been reported in the literature in individuals with KBTBD13-related conditions. The frequency data for this variant in the population databases is considered unreliable, as metrics indicate insufficient coverage at this position in the ExAC database. This sequence change replaces proline with alanine at codon 5 of the KBTBD13 protein (p.Pro5Ala). The proline residue is weakly conserved and there is a small physicochemical difference between proline and alanine. In summary, the available evidence is currently insufficient to determine the role of this variant in disease. Therefore, it has been classified as a Variant of Uncertain Significance.